The following is an entry in ClinVar:

ClinVar aggregate classification (germline): Uncertain significance (1 of 4 stars; one submission).

Submission:

Labcorp Genetics (formerly Invitae), Labcorp
Classification: Uncertain significance. Last evaluated: 2025-10-31. Review status: criteria provided, single submitter. Criteria: Invitae Variant Classification Sherloc (09022015). Collection method: clinical testing. Allele origin: germline.
Comment: This sequence change replaces arginine, which is basic and polar, with cysteine, which is neutral and slightly polar, at codon 69 of the WNT4 protein (p.Arg69Cys). This variant is present in population databases (no rsID available, gnomAD 0.003%). This variant has not been reported in the literature in individuals affected with WNT4-related conditions. Invitae Evidence Modeling of protein sequence and biophysical properties (such as structural, functional, and spatial information, amino acid conservation, physicochemical variation, residue mobility, and thermodynamic stability) indicates that this missense variant is expected to disrupt WNT4 protein function with a positive predictive value of 80%. In summary, the available evidence is currently insufficient to determine the role of this variant in disease. Therefore, it has been classified as a Variant of Uncertain Significance.

NM_030761.5(WNT4):c.205C>T (p.Arg69Cys)

Gene: WNT4 (Wnt family member 4; minus strand). Cytogenetic location: 1p36.12.
Variant type: single nucleotide variant.
Coding change: c.205C>T on transcript NM_030761.5 (MANE Select); coding-DNA position 205, C replaced by T.
Protein change: p.Arg69Cys; replaces arginine 69 with cysteine.
Molecular consequence: missense variant.
Genome position (GRCh38, 1-based): chr1:22,129,724, G>A on the plus strand (C>T on the coding strand, the complement: WNT4 is on the minus strand). VCF-style: chr1-22129724-G-A. GRCh37 (hg19) VCF-style: chr1-22456217-G-A.
Other names: short protein forms R69C.
Identifiers: ClinVar variation 4742509 (VCV004742509.1).